The following is an entry in ClinVar:

ClinVar aggregate classification (germline): Uncertain significance (1 of 4 stars; one submission).

Submission:

Labcorp Genetics (formerly Invitae), Labcorp
Classification: Uncertain significance. Last evaluated: 2022-05-06. Review status: criteria provided, single submitter. Criteria: Invitae Variant Classification Sherloc (09022015). Collection method: clinical testing. Allele origin: germline.
Comment: This variant has not been reported in the literature in individuals affected with TMEM230-related conditions. The frequency data for this variant in the population databases is considered unreliable, as metrics indicate poor data quality at this position in the gnomAD database. This sequence change affects the initiator methionine of the TMEM230 mRNA. The next in-frame methionine is located at codon 64. Experimental studies and prediction algorithms are not available or were not evaluated, and the functional significance of this variant is currently unknown. In summary, the available evidence is currently insufficient to determine the role of this variant in disease. Therefore, it has been classified as a Variant of Uncertain Significance.

NM_001009925.2(TMEM230):c.-81G>A

Gene: TMEM230 (transmembrane protein 230; minus strand). Cytogenetic location: 20p12.3.
Variant type: single nucleotide variant.
Coding change: c.-81G>A on transcript NM_001009925.2 (MANE Select); 81 bases upstream of the start codon, G replaced by A.
Molecular consequence: 5 prime UTR variant.
Genome position (GRCh38, 1-based): chr20:5,113,026, C>T on the plus strand (G>A on the coding strand, the complement: TMEM230 is on the minus strand). VCF-style: chr20-5113026-C-T. GRCh37 (hg19) VCF-style: chr20-5093672-C-T.
Other names: c.-405G>A (NM_001009924.2); c.-357G>A (NM_001330984.2); c.-322G>A (NM_001330985.2); c.-299G>A (NM_001330986.2); c.-81G>A (NM_001330987.2); c.-187G>A (NM_001423980.1); c.-312G>A (NM_014145.5).
Identifiers: ClinVar variation 1934622 (VCV001934622.5), dbSNP rs749013319, ClinGen allele CA9753507.